The following is an entry in ClinVar:

NM_000642.3(AGL):c.2470G>A (p.Ala824Thr)

Gene: AGL (amylo-alpha-1,6-glucosidase and 4-alpha-glucanotransferase; plus strand). Cytogenetic location: 1p21.2.
Variant type: single nucleotide variant.
Coding change: c.2470G>A on transcript NM_000642.3 (MANE Select); coding-DNA position 2470, G replaced by A.
Protein change: p.Ala824Thr; replaces alanine 824 with threonine.
Molecular consequence: missense variant.
Genome position (GRCh38, 1-based): chr1:99,884,375, G>A. VCF-style: chr1-99884375-G-A. GRCh37 (hg19) VCF-style: chr1-100349931-G-A.
Other names: c.2470G>A, p.Ala824Thr (NM_000028.3, NM_000643.3, NM_000644.3 and 2 more transcripts); c.2422G>A, p.Ala808Thr (NM_000646.3); c.2269G>A, p.Ala757Thr (NM_001425327.1); c.2266G>A, p.Ala756Thr (NM_001425328.1, NM_001425329.1); c.2092G>A, p.Ala698Thr (NM_001425332.1); short protein forms A824T, A808T, A698T, A756T, A757T.
Identifiers: ClinVar variation 1442973 (VCV001442973.3), dbSNP rs1173687543, ClinGen allele CA341321127.

ClinVar aggregate classification (germline): Uncertain significance (1 of 4 stars; one submission).

Conditions:
Glycogen storage disease type III (GSD3). Also called: FORBES DISEASE; Cori disease. Identifiers: Orphanet 366, MedGen C0017922, MONDO:0009291, OMIM 232400.

Allele frequency attached by ClinVar (database versions not stated): gnomAD exomes below 0.00001.
gnomAD v4.1: 4 of 1,613,086 alleles (0.00025%); highest among the groups gnomAD compares: Non-Finnish European, 0.00025%; no homozygotes.

Submission:

Labcorp Genetics (formerly Invitae), Labcorp
Classification: Uncertain significance for Glycogen storage disease type III. Last evaluated: 2022-01-16. Review status: criteria provided, single submitter. Criteria: Invitae Variant Classification Sherloc (09022015). Collection method: clinical testing. Allele origin: germline.
Comment: This sequence change replaces alanine, which is neutral and non-polar, with threonine, which is neutral and polar, at codon 824 of the AGL protein (p.Ala824Thr). This variant is not present in population databases (gnomAD no frequency). This variant has not been reported in the literature in individuals affected with AGL-related conditions. Algorithms developed to predict the effect of missense changes on protein structure and function output the following: SIFT: "Tolerated"; PolyPhen-2: "Benign"; Align-GVGD: "Class C0". The threonine amino acid residue is found in multiple mammalian species, which suggests that this missense change does not adversely affect protein function. In summary, the available evidence is currently insufficient to determine the role of this variant in disease. Therefore, it has been classified as a Variant of Uncertain Significance.